The following is an entry in ClinVar:

ClinVar aggregate classification (germline): Uncertain significance. Review status: criteria provided, multiple submitters, no conflicts (2 of 4 stars). 2 submissions from 2 submitters: Uncertain significance (2). Last evaluated 2025-11-17.

Conditions:
Familial thoracic aortic aneurysm and aortic dissection (TAAD). Also called: Thoracic aortic aneurysms and dissections. Identifiers: Orphanet 91387, MedGen C4707243, MONDO:0019625.
Ehlers-Danlos syndrome, type 4 (EDSVASC). Also called: Ehlers-Danlos syndrome vascular type; Ehlers Danlos syndrome, ecchymotic type; Ehlers Danlos syndrome, arterial type; Ehlers Danlos syndrome, Sack-Barabas type; Ehlers-Danlos Syndrome Type IV. Identifiers: Orphanet 286, MedGen C0268338, MONDO:0017314, OMIM 130050.

gnomAD v4.1: 1 of 1,614,178 alleles (0.000062%); highest among the groups gnomAD compares: East Asian, 0.0022%; no homozygotes.

Submissions (2):

Color Diagnostics, LLC DBA Color Health
Classification: Uncertain significance for Familial thoracic aortic aneurysm and aortic dissection. Last evaluated: 2025-11-17. Review status: criteria provided, single submitter. Criteria: ACMG Guidelines, 2015. Collection method: clinical testing. Allele origin: germline.
Comment: This missense variant replaces lysine with asparagine at codon 1323 of the COL3A1 protein. Computational prediction is inconclusive regarding the impact of this variant on protein structure and function. To our knowledge, functional studies have not been reported for this variant. This variant has not been reported in individuals affected with cardiovascular disorders in the literature. This variant has not been identified in the general population by the Genome Aggregation Database (gnomAD). The available evidence is insufficient to determine the role of this variant in disease conclusively. Therefore, this variant is classified as a Variant of Uncertain Significance.

Labcorp Genetics (formerly Invitae), Labcorp
Classification: Uncertain significance for Ehlers-Danlos syndrome, type 4. Last evaluated: 2024-01-29. Review status: criteria provided, single submitter. Criteria: Invitae Variant Classification Sherloc (09022015). Collection method: clinical testing. Allele origin: germline.
Comment: This sequence change replaces lysine, which is basic and polar, with asparagine, which is neutral and polar, at codon 1323 of the COL3A1 protein (p.Lys1323Asn). This variant is not present in population databases (gnomAD no frequency). This variant has not been reported in the literature in individuals affected with COL3A1-related conditions. ClinVar contains an entry for this variant (Variation ID: 1171373). Advanced modeling of protein sequence and biophysical properties (such as structural, functional, and spatial information, amino acid conservation, physicochemical variation, residue mobility, and thermodynamic stability) performed at Invitae indicates that this missense variant is not expected to disrupt COL3A1 protein function with a negative predictive value of 95%. In summary, the available evidence is currently insufficient to determine the role of this variant in disease. Therefore, it has been classified as a Variant of Uncertain Significance.

NM_000090.4(COL3A1):c.3969G>C (p.Lys1323Asn)

Gene: COL3A1 (collagen type III alpha 1 chain; plus strand). Cytogenetic location: 2q32.2.
Variant type: single nucleotide variant.
Coding change: c.3969G>C on transcript NM_000090.4 (MANE Select); coding-DNA position 3969, G replaced by C.
Protein change: p.Lys1323Asn; replaces lysine 1323 with asparagine.
Molecular consequence: missense variant.
Genome position (GRCh38, 1-based): chr2:189,010,323, G>C. VCF-style: chr2-189010323-G-C. GRCh37 (hg19) VCF-style: chr2-189875049-G-C.
Other names: short protein forms K1323N.
Identifiers: ClinVar variation 1171373 (VCV001171373.7), dbSNP rs2153504249, ClinGen allele CA349848792.